The following is an entry in ClinVar:

ClinVar aggregate classification (germline): Conflicting classifications of pathogenicity. Review status: criteria provided, conflicting classifications (1 of 4 stars). 4 submissions from 4 submitters: Uncertain significance (3); Likely benign (1). Last evaluated 2025-08-07.

Conditions:
Breast-ovarian cancer, familial, susceptibility to, 2 (BROVCA2). Also called: BRCA2 Hereditary Breast and Ovarian Cancer. Identifiers: Orphanet 145, MedGen C2675520, MONDO:0012933, OMIM 612555. Disease mechanism: loss of function.
Hereditary cancer-predisposing syndrome. Also called: Hereditary neoplastic syndrome; Tumor predisposition; Neoplastic Syndromes, Hereditary; Hereditary Cancer Syndrome. Identifiers: Orphanet 140162, MedGen C0027672, MeSH D009386, MONDO:0015356.
Hereditary breast ovarian cancer syndrome. Also called: BRCA1- and BRCA2-Associated Hereditary Breast and Ovarian Cancer; Hereditary breast and/or ovarian cancer syndrome; Breast and ovarian cancer; Hereditary breast and ovarian cancer; Hereditary breast and ovarian cancer syndrome; Hereditary breast and ovarian cancer syndrome (HBOC). Identifiers: Orphanet 145, MedGen C0677776, MeSH D061325, MONDO:0003582. Disease mechanism: loss of function.

Allele frequency attached by ClinVar (database versions not stated): TOPMed below 0.00001.
gnomAD v4.1: 1 of 1,611,938 alleles (0.000062%); highest among the groups gnomAD compares: Non-Finnish European, 0.000085%; no homozygotes.

Submissions (4):

Labcorp Genetics (formerly Invitae), Labcorp
Classification: Uncertain significance for Hereditary breast ovarian cancer syndrome. Last evaluated: 2025-08-07. Review status: criteria provided, single submitter. Criteria: Invitae Variant Classification Sherloc (09022015). Collection method: clinical testing. Allele origin: germline.
Comment: This sequence change replaces serine, which is neutral and polar, with proline, which is neutral and non-polar, at codon 1230 of the BRCA2 protein (p.Ser1230Pro). This variant is not present in population databases (gnomAD no frequency). This variant has not been reported in the literature in individuals affected with BRCA2-related conditions. ClinVar contains an entry for this variant (Variation ID: 859332). Invitae Evidence Modeling of protein sequence and biophysical properties (such as structural, functional, and spatial information, amino acid conservation, physicochemical variation, residue mobility, and thermodynamic stability) indicates that this missense variant is not expected to disrupt BRCA2 protein function with a negative predictive value of 95%. In summary, the available evidence is currently insufficient to determine the role of this variant in disease. Therefore, it has been classified as a Variant of Uncertain Significance.

Ambry Genetics
Classification: Uncertain significance for Hereditary cancer-predisposing syndrome. Last evaluated: 2024-06-10. Review status: criteria provided, single submitter. Criteria: Ambry Variant Classification Scheme 2023. Collection method: clinical testing. Allele origin: germline.
Comment: The p.S1230P variant (also known as c.3688T>C), located in coding exon 10 of the BRCA2 gene, results from a T to C substitution at nucleotide position 3688. The serine at codon 1230 is replaced by proline, an amino acid with similar properties. This amino acid position is conserved. In addition, the in silico prediction for this alteration is inconclusive. Based on the available evidence, the clinical significance of this variant remains unclear.

University of Washington Department of Laboratory Medicine, University of Washington
Classification: Likely benign for Hereditary cancer-predisposing syndrome. Last evaluated: 2023-03-23. Review status: criteria provided, single submitter. Criteria: Dines et al. (Genet Med. 2020). Collection method: curation. Allele origin: germline.
Comment: Missense variant in a coldspot region where missense variants are very unlikely to be pathogenic (PMID:31911673).

BRCA2 exon 11 coldspot. Reclassification based on statistical prior probability.

All of Us Research Program, National Institutes of Health
Classification: Uncertain significance for Breast-ovarian cancer, familial, susceptibility to, 2. Last evaluated: 2023-02-15. Review status: criteria provided, single submitter. Criteria: ACMG Guidelines, 2015. Collection method: clinical testing. Allele origin: germline. Inheritance: Autosomal dominant inheritance. Observed: 1 variant allele, 1 heterozygote.
Comment: This missense variant replaces serine with proline at codon 1230 of the BRCA2 protein. Computational prediction is inconclusive regarding the impact of this variant on protein structure and function (internally defined REVEL score threshold 0.5 < inconclusive < 0.7, PMID: 27666373). To our knowledge, functional studies have not been reported for this variant. This variant has not been reported in individuals affected with hereditary cancer in the literature. This variant has not been identified in the general population by the Genome Aggregation Database (gnomAD). The available evidence is insufficient to determine the role of this variant in disease conclusively. Therefore, this variant is classified as a Variant of Uncertain Significance.

This study involves interpretation of variants in research participants for the purpose of population health screening. Participant phenotype was not available at the time of variant classification. Additional details can be found in publication PMID: 35346344, PMCID: PMC8962531

NM_000059.4(BRCA2):c.3688T>C (p.Ser1230Pro)

Gene: BRCA2 (BRCA2 DNA repair associated; plus strand). Cytogenetic location: 13q13.1.
Variant type: single nucleotide variant.
Coding change: c.3688T>C on transcript NM_000059.4 (MANE Select); coding-DNA position 3688, T replaced by C.
Protein change: p.Ser1230Pro; replaces serine 1230 with proline.
Molecular consequence: missense variant.
Genome position (GRCh38, 1-based): chr13:32,338,043, T>C. VCF-style: chr13-32338043-T-C. GRCh37 (hg19) VCF-style: chr13-32912180-T-C.
Other names: short protein forms S1230P.
Identifiers: ClinVar variation 859332 (VCV000859332.13), dbSNP rs876659979, ClinGen allele CA387778024.
Genomic context (GRCh38, chr13:32,338,043, plus strand): 5'-GATGAAAATGAAGTGGGGTTTAGGGGCTTTTATTCTGCTCATGGCACAAAACTGAATGTT[T>C]CTACTGAAGCTCTGCAAAAAGCTGTGAAACTGTTTAGTGATATTGAGAATATTAGTGAGG-3'
Protein context (NP_000050.3, residues 1220-1240): YSAHGTKLNV[Ser1230Pro]TEALQKAVKL